The following is an entry in ClinVar:

NM_019892.6(INPP5E):c.812+4_812+6del

Gene: INPP5E (inositol polyphosphate-5-phosphatase E; minus strand). Cytogenetic location: 9q34.3.
Variant type: Deletion.
Coding change: c.812+4_812+6del on transcript NM_019892.6 (MANE Select); bases 4 to 6 of the intron after coding-DNA position 812, 3 bases deleted (GGG; older notation c.812+4_812+6delGGG).
Molecular consequence: intron variant.
Genome position (GRCh38, 1-based): chr9:136,438,602-136,438,604, CCC deleted on the plus strand (GGG on the coding strand, the reverse complement: INPP5E is on the minus strand). VCF-style (leftmost placement, unchanged base first): chr9-136438601-TCCC-T. GRCh37 (hg19) VCF-style: chr9-139333053-TCCC-T.
Other names: c.812+4_812+6del (NM_001318502.2).
Identifiers: ClinVar variation 941473 (VCV000941473.6), dbSNP rs1405338334, ClinGen allele CA861060357.

ClinVar aggregate classification (germline): Uncertain significance (1 of 4 stars; one submission).

Conditions:
Joubert syndrome. Also called: Familial aplasia of the vermis; CEREBELLOPARENCHYMAL DISORDER IV; JOUBERT-BOLTSHAUSER SYNDROME. Identifiers: Orphanet 475, MedGen C5979921, MONDO:0018772.

Allele frequency attached by ClinVar (database versions not stated): TOPMed 0.00001; gnomAD exomes 0.00093; gnomAD 0.00305 and 0.00309.

Submission:

Labcorp Genetics (formerly Invitae), Labcorp
Classification: Uncertain significance for Joubert syndrome. Last evaluated: 2023-12-07. Review status: criteria provided, single submitter. Criteria: Invitae Variant Classification Sherloc (09022015). Collection method: clinical testing. Allele origin: germline.
Comment: This sequence change falls in intron 1 of the INPP5E gene. It does not directly change the encoded amino acid sequence of the INPP5E protein. It affects a nucleotide within the consensus splice site. This variant is not present in population databases (gnomAD no frequency). This variant has not been reported in the literature in individuals affected with INPP5E-related conditions. ClinVar contains an entry for this variant (Variation ID: 941473). Variants that disrupt the consensus splice site are a relatively common cause of aberrant splicing (PMID: 17576681, 9536098). Algorithms developed to predict the effect of sequence changes on RNA splicing suggest that this variant is not likely to affect RNA splicing. In summary, the available evidence is currently insufficient to determine the role of this variant in disease. Therefore, it has been classified as a Variant of Uncertain Significance.

Literature cited by the submitters: PubMed 17576681; PubMed 9536098.